The following is an entry in ClinVar:

NM_005559.4(LAMA1):c.5138A>G (p.Gln1713Arg)

Gene: LAMA1 (laminin subunit alpha 1; minus strand). Cytogenetic location: 18p11.31.
Variant type: single nucleotide variant.
Coding change: c.5138A>G on transcript NM_005559.4 (MANE Select); coding-DNA position 5138, A replaced by G.
Protein change: p.Gln1713Arg; replaces glutamine 1713 with arginine.
Molecular consequence: missense variant.
Genome position (GRCh38, 1-based): chr18:6,992,591, T>C on the plus strand (A>G on the coding strand, the complement: LAMA1 is on the minus strand). VCF-style: chr18-6992591-T-C. GRCh37 (hg19) VCF-style: chr18-6992590-T-C.
Other names: short protein forms Q1713R.
Identifiers: ClinVar variation 2571686 (VCV002571686.1), dbSNP rs2510850046, ClinGen allele CA401840966.

ClinVar aggregate classification (germline): Uncertain significance (1 of 4 stars; one submission).

Submission:

GeneDx
Classification: Uncertain significance. Last evaluated: 2023-01-09. Review status: criteria provided, single submitter. Criteria: GeneDx Variant Classification Process June 2021. Collection method: clinical testing. Allele origin: germline. Affected: yes.
Comment: Not observed at significant frequency in large population cohorts (gnomAD); In silico analysis supports that this missense variant does not alter protein structure/function; Has not been previously published as pathogenic or benign to our knowledge